The following is an entry in ClinVar:

NM_004287.5(GOSR2):c.29+9C>T

Genes: GOSR2 (golgi SNAP receptor complex member 2; plus strand), LRRC37A2 (leucine rich repeat containing 37 member A2). Cytogenetic location: 17q21.32.
Variant type: single nucleotide variant.
Coding change: c.29+9C>T on transcript NM_004287.5 (MANE Select); 9 bases into the intron after coding-DNA position 29, C replaced by T.
Molecular consequence: intron variant. On other transcripts: 5 prime UTR variant (2).
Genome position (GRCh38, 1-based): chr17:46,923,230, C>T. VCF-style: chr17-46923230-C-T. GRCh37 (hg19) VCF-style: chr17-45000596-C-T.
Other names: c.-65C>T (NM_001321134.2); c.-428C>T (NM_001363851.2); c.29+9C>T (NM_001321133.2, NM_054022.4, NM_001330252.2 and 4 more transcripts).
Identifiers: ClinVar variation 383842 (VCV000383842.12), dbSNP rs951923133, ClinGen allele CA16608513.

ClinVar aggregate classification (germline): Likely benign. Review status: criteria provided, multiple submitters, no conflicts (2 of 4 stars). 2 submissions from 2 submitters: Likely benign (2). Last evaluated 2024-12-03.

Conditions:
Progressive myoclonic epilepsy. Also called: Familial progressive myoclonic epilepsy; Progressive myoclonus epilepsy; Myoclonic Epilepsies, Progressive; Myoclonus epilepsy. Identifiers: Orphanet 308, Orphanet 98261, MedGen C0751778, MONDO:0020074.

Allele frequency attached by ClinVar (database versions not stated): gnomAD exomes 0.00001; TOPMed 0.00005; gnomAD 0.00002.
gnomAD v4.1: 7 of 1,550,682 alleles (0.00045%); highest among the groups gnomAD compares: African/African-American, 0.0096%; no homozygotes.

Submissions (2):

Labcorp Genetics (formerly Invitae), Labcorp
Classification: Likely benign for Progressive myoclonic epilepsy. Last evaluated: 2024-12-03. Review status: criteria provided, single submitter. Criteria: Invitae Variant Classification Sherloc (09022015). Collection method: clinical testing. Allele origin: germline.

GeneDx
Classification: Likely benign. Last evaluated: 2016-02-15. Review status: criteria provided, single submitter. Criteria: GeneDx Variant Classification (06012015). Collection method: clinical testing. Allele origin: germline. Affected: yes.
Comment: This variant is considered likely benign or benign based on one or more of the following criteria: it is a conservative change, it occurs at a poorly conserved position in the protein, it is predicted to be benign by multiple in silico algorithms, and/or has population frequency not consistent with disease.